The following is an entry in ClinVar:

NM_018993.4(RIN2):c.78G>A (p.Ser26=)

Gene: RIN2 (Ras and Rab interactor 2; plus strand). Cytogenetic location: 20p11.23.
Variant type: single nucleotide variant.
Coding change: c.78G>A on transcript NM_018993.4 (MANE Select); coding-DNA position 78, G replaced by A.
Protein change: p.Ser26=; no amino-acid change (serine 26 retained).
Molecular consequence: synonymous variant. On other transcripts: 5 prime UTR variant (1).
Genome position (GRCh38, 1-based): chr20:19,935,119, G>A. VCF-style: chr20-19935119-G-A. GRCh37 (hg19) VCF-style: chr20-19915763-G-A.
Other names: c.225G>A, p.Ser75= (NM_001242581.2); c.-468G>A (NM_001378238.1).
Identifiers: ClinVar variation 696286 (VCV000696286.36), dbSNP rs377404678, ClinGen allele CA9779714.
Genomic context (GRCh38, chr20:19,935,119, plus strand): 5'-CTCCACTTCCTGACGTCATACTATTTTTGTCTTTGAATAGCTCATTGACACAATTGCCTC[G>A]GAGATCGGAGAACTGAAACAGGAGATGGTGCGGACAGATGTCAACCTGGAAAATGGCCTG-3'
Protein context (NP_061866.1, residues 16-36): SFFKLIDTIA[Ser26=]EIGELKQEMV

ClinVar aggregate classification (germline): Benign/Likely benign. Review status: criteria provided, multiple submitters, no conflicts (2 of 4 stars). 3 submissions from 3 submitters: Benign (1); Likely benign (2). Last evaluated 2026-01-28.

Allele frequency attached by ClinVar (database versions not stated): ESP Exome Variant Server 0.00008; gnomAD 0.00009 and 0.00014; TOPMed 0.00011; gnomAD exomes 0.00021; 1000 Genomes Project 30x 0.00031; 1000 Genomes Project 0.00040.
gnomAD v4.1: 334 of 1,600,718 alleles (0.021%); highest among the groups gnomAD compares: South Asian, 0.26%; 2 homozygotes.

Submissions (3):

Labcorp Genetics (formerly Invitae), Labcorp
Classification: Benign. Last evaluated: 2026-01-28. Review status: criteria provided, single submitter. Criteria: Invitae Variant Classification Sherloc (09022015). Collection method: clinical testing. Allele origin: germline.

CeGaT Center for Human Genetics Tuebingen
Classification: Likely benign. Last evaluated: 2023-10-01. Review status: criteria provided, single submitter. Criteria: CeGaT Center For Human Genetics Tuebingen Variant Classification Criteria Version 2. Collection method: clinical testing. Allele origin: germline. Affected: yes. Observed: 1 variant allele.
Comment: RIN2: BP4, BP7

GeneDx
Classification: Likely benign. Last evaluated: 2019-04-23. Review status: criteria provided, single submitter. Criteria: GeneDx Variant Classification Process June 2021. Collection method: clinical testing. Allele origin: germline. Affected: yes.
Comment: In silico analysis, which includes splice predictors and evolutionary conservation, supports that this variant does not alter protein structure/function; Nucleotide substitution has no predicted effect on splicing and is not conserved across species; Has not been previously published as pathogenic or benign to our knowledge